The following is an entry in ClinVar:

ClinVar aggregate classification (germline): Likely pathogenic (1 of 4 stars; one submission).

Conditions:
Interstitial lung disease due to ABCA3 deficiency. Also called: PULMONARY ALVEOLAR PROTEINOSIS, CONGENITAL, 3. Identifiers: Orphanet 440402, MedGen C1970456, MONDO:0012582, OMIM 610921.

gnomAD v4.1: 1 of 1,614,134 alleles (0.000062%); highest among the groups gnomAD compares: Non-Finnish European, 0.000085%; no homozygotes.

Submission:

Juno Genomics, Hangzhou Juno Genomics, Inc
Classification: Likely pathogenic for Interstitial lung disease due to ABCA3 deficiency. Review status: criteria provided, single submitter. Criteria: ACMG Guidelines, 2015. Collection method: clinical testing. Allele origin: germline.
Comment: Null variant in a gene where loss of function (LOF) is a known mechanism of disease.;Absent from controls (or at extremely low frequency if recessive) in Genome Aggregation Database.

NM_001089.3(ABCA3):c.1451G>A (p.Trp484Ter)

Gene: ABCA3 (ATP binding cassette subfamily A member 3; minus strand). Cytogenetic location: 16p13.3.
Variant type: single nucleotide variant.
Coding change: c.1451G>A on transcript NM_001089.3 (MANE Select); coding-DNA position 1451, G replaced by A.
Protein change: p.Trp484Ter; replaces tryptophan 484 with a stop codon.
Molecular consequence: nonsense.
Genome position (GRCh38, 1-based): chr16:2,303,985, C>T on the plus strand (G>A on the coding strand, the complement: ABCA3 is on the minus strand). VCF-style: chr16-2303985-C-T. GRCh37 (hg19) VCF-style: chr16-2353986-C-T.
Other names: short protein forms W484*.
Identifiers: ClinVar variation 5005552 (VCV005005552.2).